The following is an entry in ClinVar:

NM_000465.4(BARD1):c.1648_1649delinsAT (p.Glu550Ile)

Gene: BARD1 (BRCA1 associated RING domain 1; minus strand). Cytogenetic location: 2q35.
Variant type: Indel.
Coding change: c.1648_1649delinsAT on transcript NM_000465.4 (MANE Select); coding-DNA positions 1648 to 1649, GA replaced by AT.
Protein change: p.Glu550Ile; replaces glutamic acid 550 with isoleucine.
Molecular consequence: missense variant. On other transcripts: non-coding transcript variant (3), intron variant (1).
Genome position (GRCh38, 1-based): chr2:214,752,475-214,752,476, TC replaced by AT on the plus strand (GA replaced by AT on the coding strand, the reverse complement: BARD1 is on the minus strand). VCF-style: chr2-214752475-TC-AT. GRCh37 (hg19) VCF-style: chr2-215617199-TC-AT.
Other names: c.1591_1592delinsAT, p.Glu531Ile (NM_001282543.2); c.295_296delinsAT, p.Glu99Ile (NM_001282545.2); c.238_239delinsAT, p.Glu80Ile (NM_001282548.2); c.365-21968_365-21967delinsAT (NM_001282549.2); short protein forms E80I, E550I, E531I, E99I.
Identifiers: ClinVar variation 946106 (VCV000946106.9), dbSNP rs1693500792, ClinGen allele CA1139657677.

ClinVar aggregate classification (germline): Uncertain significance (1 of 4 stars; one submission).

Conditions:
Familial cancer of breast. Also called: hereditary breast carcinoma; BREAST CANCER, FAMILIAL; Hereditary breast cancer. Identifiers: Orphanet 227535, MedGen C0346153, MONDO:0016419, OMIM 114480. Disease mechanism: loss of function.

Submission:

Labcorp Genetics (formerly Invitae), Labcorp
Classification: Uncertain significance for Familial cancer of breast. Last evaluated: 2019-04-24. Review status: criteria provided, single submitter. Criteria: Invitae Variant Classification Sherloc (09022015). Collection method: clinical testing. Allele origin: germline.
Comment: In summary, the available evidence is currently insufficient to determine the role of this variant in disease. Therefore, it has been classified as a Variant of Uncertain Significance. Algorithms developed to predict the effect of missense changes on protein structure and function do not agree on the potential impact of this missense change (SIFT: "Deleterious"; PolyPhen-2: "Benign"; Align-GVGD: "Class C0"). This variant has not been reported in the literature in individuals with BARD1-related disease. This variant is not present in population databases (ExAC no frequency). This sequence change replaces glutamic acid with isoleucine at codon 550 of the BARD1 protein (p.Glu550Ile). The glutamic acid residue is moderately conserved and there is a moderate physicochemical difference between glutamic acid and isoleucine.